The following is an entry in ClinVar:

ClinVar aggregate classification (germline): Likely benign. Review status: criteria provided, multiple submitters, no conflicts (2 of 4 stars). 3 submissions from 3 submitters: Likely benign (2). 1 of the submissions does not count toward it. Last evaluated 2026-01-24.

Conditions:
Wolcott-Rallison dysplasia. Also called: Wolcott-Rallison syndrome; MED-IDDM SYNDROME. Identifiers: Orphanet 1667, MedGen C0432217, MONDO:0009192, OMIM 226980.
EIF2AK3-related disorder. Also called: EIF2AK3-related condition.

Allele frequency attached by ClinVar (database versions not stated): gnomAD 0.00011 and 0.00012; TOPMed 0.00026; ExAC 0.00049.
gnomAD v4.1: 179 of 1,613,008 alleles (0.011%); highest among the groups gnomAD compares: Admixed American, 0.3%; no homozygotes.

Submissions (3):

Labcorp Genetics (formerly Invitae), Labcorp
Classification: Likely benign. Last evaluated: 2026-01-24. Review status: criteria provided, single submitter. Criteria: Invitae Variant Classification Sherloc (09022015). Collection method: clinical testing. Allele origin: germline.

Fulgent Genetics
Classification: Likely benign for Wolcott-Rallison dysplasia. Last evaluated: 2021-12-15. Review status: criteria provided, single submitter. Criteria: ACMG Guidelines, 2015. Collection method: clinical testing. Allele origin: unknown.

PreventionGenetics, part of Exact Sciences
Classification: Likely benign for EIF2AK3-related condition. Last evaluated: 2022-04-04. Review status: no assertion criteria provided. Collection method: clinical testing. Allele origin: germline. Not counted in ClinVar's aggregate classification.
Comment: This variant is classified as likely benign based on ACMG/AMP sequence variant interpretation guidelines (Richards et al. 2015 PMID: 25741868, with internal and published modifications).

NM_004836.7(EIF2AK3):c.2286G>T (p.Gln762His)

Genes: EIF2AK3 (eukaryotic translation initiation factor 2 alpha kinase 3; minus strand), EIF2AK3-AS1 (EIF2AK3 antisense RNA 1; plus strand). Cytogenetic location: 2p11.2.
Variant type: single nucleotide variant.
Coding change: c.2286G>T on transcript NM_004836.7 (MANE Select); coding-DNA position 2286, G replaced by T.
Protein change: p.Gln762His; replaces glutamine 762 with histidine.
Molecular consequence: missense variant. On other transcripts: non-coding transcript variant (1).
Genome position (GRCh38, 1-based): chr2:88,575,197, C>A on the plus strand (G>T on the coding strand, the complement: EIF2AK3 is on the minus strand). VCF-style: chr2-88575197-C-A. GRCh37 (hg19) VCF-style: chr2-88874715-C-A.
Other names: c.1833G>T, p.Gln611His (NM_001313915.2); short protein forms Q611H, Q762H.
Identifiers: ClinVar variation 731163 (VCV000731163.13), dbSNP rs777171158, ClinGen allele CA1754471.